The following is an entry in ClinVar:

ClinVar aggregate classification (germline): Uncertain significance (1 of 4 stars; one submission).

Conditions:
BLVRA-related disorder. Also called: BLVRA-related condition.

Submission:

PreventionGenetics, part of Exact Sciences
Classification: Uncertain significance for BLVRA-related condition. Last evaluated: 2026-09-14. Review status: criteria provided, single submitter. Criteria: ACMG Guidelines, 2015. Collection method: clinical testing. Allele origin: germline.
Comment: The BLVRA c.35T>G variant is predicted to result in the amino acid substitution p.Val12Gly. To our knowledge, this variant has not been reported in the literature or in a large population database (gnomAD), indicating this variant is rare. At this time, the clinical significance of this variant is uncertain due to the absence of conclusive functional and genetic evidence.

NM_000712.4(BLVRA):c.35T>G (p.Val12Gly)

Gene: BLVRA (biliverdin reductase A; plus strand). Cytogenetic location: 7p13.
Variant type: single nucleotide variant.
Coding change: c.35T>G on transcript NM_000712.4 (MANE Select); coding-DNA position 35, T replaced by G.
Protein change: p.Val12Gly; replaces valine 12 with glycine.
Molecular consequence: missense variant.
Genome position (GRCh38, 1-based): chr7:43,787,926, T>G. VCF-style: chr7-43787926-T-G. GRCh37 (hg19) VCF-style: chr7-43827525-T-G.
Other names: c.35T>G, p.Val12Gly (NM_001253823.2); short protein forms V12G.
Identifiers: ClinVar variation 4991564 (VCV004991564.1).